The following is an entry in ClinVar:

ClinVar aggregate classification (germline): Conflicting classifications of pathogenicity. Review status: criteria provided, conflicting classifications (1 of 4 stars). 3 submissions from 3 submitters: Uncertain significance (1); Likely benign (2). Last evaluated 2025-01-23.

Conditions:
Trichorhinophalangeal dysplasia type I (TRPS1). Also called: TRPS I; TRICHORHINOPHALANGEAL SYNDROME, TYPE I. Identifiers: Orphanet 77258, MedGen C0432233, MONDO:0008596, OMIM 190350.
Trichorhinophalangeal syndrome, type III (TRPS3). Also called: SUGIO-KAJII SYNDROME. Identifiers: Orphanet 77258, MedGen C1860823, OMIM 190351, MONDO:0008597.
Inborn genetic diseases. Identifiers: MedGen C0950123, MeSH D030342.

Allele frequency attached by ClinVar (database versions not stated): gnomAD exomes 0.00002; ExAC 0.00003; ESP Exome Variant Server 0.00008; TOPMed 0.00009; gnomAD 0.00011.
gnomAD v4.1: 45 of 1,613,752 alleles (0.0028%); highest among the groups gnomAD compares: African/African-American, 0.025%; no homozygotes.

Submissions (3):

Ambry Genetics
Classification: Likely benign for Inborn genetic diseases. Last evaluated: 2025-01-23. Review status: criteria provided, single submitter. Criteria: Ambry Variant Classification Scheme 2023. Collection method: clinical testing. Allele origin: germline.

Labcorp Genetics (formerly Invitae), Labcorp
Classification: Likely benign for Trichorhinophalangeal syndrome, type III; Trichorhinophalangeal dysplasia type I. Last evaluated: 2024-12-04. Review status: criteria provided, single submitter. Criteria: Invitae Variant Classification Sherloc (09022015). Collection method: clinical testing. Allele origin: germline.

Women's Health and Genetics/Laboratory Corporation of America, LabCorp
Classification: Uncertain significance. Last evaluated: 2024-07-02. Review status: criteria provided, single submitter. Criteria: LabCorp Variant Classification Summary - May 2015. Collection method: clinical testing. Allele origin: germline.
Comment: Variant summary: TRPS1 c.1964C>T (p.Ser655Leu) results in a non-conservative amino acid change in the encoded protein sequence. Four of five in-silico tools predict a benign effect of the variant on protein function. The variant allele was found at a frequency of 4e-05 in 249288 control chromosomes. This frequency is not significantly higher than estimated for a pathogenic variant in TRPS1 causing TRPS1-Related Disorders, allowing no conclusion about variant significance. To our knowledge, no occurrence of c.1964C>T in individuals affected with TRPS1-Related Disorders and no experimental evidence demonstrating its impact on protein function have been reported. ClinVar contains an entry for this variant (Variation ID: 2156752). Based on the evidence outlined above, the variant was classified as uncertain significance.

NM_014112.5(TRPS1):c.1964C>T (p.Ser655Leu)

Gene: TRPS1 (transcriptional repressor GATA binding 1; minus strand). Cytogenetic location: 8q23.3.
Variant type: single nucleotide variant.
Coding change: c.1964C>T on transcript NM_014112.5 (MANE Select); coding-DNA position 1964, C replaced by T.
Protein change: p.Ser655Leu; replaces serine 655 with leucine.
Molecular consequence: missense variant.
Genome position (GRCh38, 1-based): chr8:115,604,005, G>A on the plus strand (C>T on the coding strand, the complement: TRPS1 is on the minus strand). VCF-style: chr8-115604005-G-A. GRCh37 (hg19) VCF-style: chr8-116616232-G-A.
Other names: c.1937C>T, p.Ser646Leu (NM_001282902.3); c.1943C>T, p.Ser648Leu (NM_001282903.3); c.1925C>T, p.Ser642Leu (NM_001330599.2); c.1964C>T (NM_014112.2); short protein forms S646L, S648L, S655L, S642L.
Identifiers: ClinVar variation 2156752 (VCV002156752.6), dbSNP rs367794981, ClinGen allele CA4851744.